The following is an entry in ClinVar:

ClinVar aggregate classification (germline): Uncertain significance (1 of 4 stars; one submission).

Conditions:
Cardiovascular phenotype. Identifiers: MedGen CN230736.

Allele frequency attached by ClinVar (database versions not stated): ExAC 0.00014; ESP Exome Variant Server 0.00024; 1000 Genomes Project 30x 0.00031; 1000 Genomes Project 0.00040; gnomAD 0.00042; gnomAD exomes 0.00003; TOPMed 0.00049.
gnomAD v4.1: 108 of 1,608,364 alleles (0.0067%); highest among the groups gnomAD compares: African/African-American, 0.13%; no homozygotes.

Submission:

Ambry Genetics
Classification: Uncertain significance for Cardiovascular phenotype. Last evaluated: 2023-09-28. Review status: criteria provided, single submitter. Criteria: Ambry Variant Classification Scheme 2023. Collection method: clinical testing. Allele origin: germline.
Comment: The p.I79L variant (also known as c.235A>C), located in coding exon 2 of the LMF1 gene, results from an A to C substitution at nucleotide position 235. The isoleucine at codon 79 is replaced by leucine, an amino acid with highly similar properties. This amino acid position is highly conserved in available vertebrate species. In addition, the in silico prediction for this alteration is inconclusive. Since supporting evidence is limited at this time, the clinical significance of this alteration remains unclear.

NM_022773.4(LMF1):c.235A>C (p.Ile79Leu)

Gene: LMF1 (lipase maturation factor 1; minus strand). Cytogenetic location: 16p13.3.
Variant type: single nucleotide variant.
Coding change: c.235A>C on transcript NM_022773.4 (MANE Select); coding-DNA position 235, A replaced by C.
Protein change: p.Ile79Leu; replaces isoleucine 79 with leucine.
Molecular consequence: missense variant. On other transcripts: 5 prime UTR variant (4), non-coding transcript variant (1).
Genome position (GRCh38, 1-based): chr16:954,625, T>G on the plus strand (A>C on the coding strand, the complement: LMF1 is on the minus strand). VCF-style: chr16-954625-T-G. GRCh37 (hg19) VCF-style: chr16-1004625-T-G.
Other names: c.-569A>C (NM_001352017.2); c.-320A>C (NM_001352018.2); c.-93A>C (NM_001352019.2); c.235A>C, p.Ile79Leu (NM_001352020.1); c.-471A>C (NM_001352021.2); short protein forms I79L.
Identifiers: ClinVar variation 3227810 (VCV003227810.1), dbSNP rs372696701, ClinGen allele CA7797711.